The following is an entry in ClinVar:

NM_002181.4(IHH):c.649C>T (p.Arg217Cys)

Gene: IHH (Indian hedgehog signaling molecule; minus strand). Cytogenetic location: 2q35.
Variant type: single nucleotide variant.
Coding change: c.649C>T on transcript NM_002181.4 (MANE Select); coding-DNA position 649, C replaced by T.
Protein change: p.Arg217Cys; replaces arginine 217 with cysteine.
Molecular consequence: missense variant.
Genome position (GRCh38, 1-based): chr2:219,055,794, G>A on the plus strand (C>T on the coding strand, the complement: IHH is on the minus strand). VCF-style: chr2-219055794-G-A. GRCh37 (hg19) VCF-style: chr2-219920516-G-A.
Other names: short protein forms R217C.
Identifiers: ClinVar variation 896645 (VCV000896645.10), dbSNP rs1244499290, ClinGen allele CA350633161.

ClinVar aggregate classification (germline): Uncertain significance. Review status: criteria provided, multiple submitters, no conflicts (2 of 4 stars). 3 submissions from 3 submitters: Uncertain significance (3). Last evaluated 2025-04-17.

Conditions:
Brachydactyly type A1. Also called: FARABEE-TYPE BRACHYDACTYLY; SHORT STATURE WITH NONSPECIFIC SKELETAL ABNORMALITIES 2. Identifiers: Orphanet 93388, MedGen C1862151, MONDO:0007215, OMIM 112500, HP:0009371.
Inborn genetic diseases. Identifiers: MedGen C0950123, MeSH D030342.

Allele frequency attached by ClinVar (database versions not stated): gnomAD 0.00003; TOPMed 0.00003; gnomAD exomes 0.00004.
gnomAD v4.1: 63 of 1,612,998 alleles (0.0039%); highest among the groups gnomAD compares: South Asian, 0.011%; no homozygotes.

Submissions (3):

Labcorp Genetics (formerly Invitae), Labcorp
Classification: Uncertain significance. Last evaluated: 2025-04-17. Review status: criteria provided, single submitter. Criteria: Invitae Variant Classification Sherloc (09022015). Collection method: clinical testing. Allele origin: germline.
Comment: This sequence change replaces arginine, which is basic and polar, with cysteine, which is neutral and slightly polar, at codon 217 of the IHH protein (p.Arg217Cys). This variant is present in population databases (no rsID available, gnomAD 0.01%). This variant has not been reported in the literature in individuals affected with IHH-related conditions. ClinVar contains an entry for this variant (Variation ID: 896645). Invitae Evidence Modeling of protein sequence and biophysical properties (such as structural, functional, and spatial information, amino acid conservation, physicochemical variation, residue mobility, and thermodynamic stability) indicates that this missense variant is not expected to disrupt IHH protein function with a negative predictive value of 80%. In summary, the available evidence is currently insufficient to determine the role of this variant in disease. Therefore, it has been classified as a Variant of Uncertain Significance.

Ambry Genetics
Classification: Uncertain significance for Inborn genetic diseases. Last evaluated: 2025-01-20. Review status: criteria provided, single submitter. Criteria: Ambry Variant Classification Scheme 2023. Collection method: clinical testing. Allele origin: germline.

Illumina Laboratory Services, Illumina
Classification: Uncertain significance for Brachydactyly type A1. Last evaluated: 2018-01-13. Review status: criteria provided, single submitter. Criteria: ICSL Variant Classification Criteria 13 December 2019. Collection method: clinical testing. Allele origin: germline.